The following is an entry in ClinVar:

ClinVar aggregate classification (germline): Pathogenic/Likely pathogenic. Review status: criteria provided, multiple submitters, no conflicts (2 of 4 stars). 4 submissions from 4 submitters: Pathogenic (3); Likely pathogenic (1). Last evaluated 2025-12-30.

Conditions:
Usher syndrome type 2A. Also called: RETINAL DISEASE IN USHER SYNDROME TYPE IIA, MODIFIER OF; USHER SYNDROME, TYPE IIA. Identifiers: Orphanet 231178, Orphanet 886, MedGen C1848634, MONDO:0010169, OMIM 276901.
Retinitis pigmentosa 39 (RP39). Identifiers: Orphanet 791, MedGen C3151138, MONDO:0013436, OMIM 613809.

Submissions (4):

Division of Genetic & Genomic Pathology, Hong Kong Children's Hospital
Classification: Likely pathogenic for Usher syndrome type 2A. Last evaluated: 2025-12-30. Review status: criteria provided, single submitter. Criteria: ACMG Guidelines, 2015. Collection method: clinical testing. Allele origin: germline. Affected: yes.
Comment: The USH2A c.7569G>A p.(Trp2523Ter) nonsense variant is located in exon 40 (out of 72 exons). It is predicted to cause loss of normal protein function either by protein truncation or nonsense-mediated mRNA decay. This variant is absent from population control databases (gnomAD v4.1.0). It is deposited in ClinVar as pathogenic (accession no.: VCV001455965.6). It has been reported in compound heterozygous state with other USH2A variants in patients with retinitis pigmentosa (PMID: 26496393, 32675063). For these reasons, this variant is classified as likely pathogenic. This variant is in trans with another missense likely pathogenic variant.

Labcorp Genetics (formerly Invitae), Labcorp
Classification: Pathogenic. Last evaluated: 2025-06-17. Review status: criteria provided, single submitter. Criteria: Invitae Variant Classification Sherloc (09022015). Collection method: clinical testing. Allele origin: germline.
Comment: This sequence change creates a premature translational stop signal (p.Trp2523*) in the USH2A gene. It is expected to result in an absent or disrupted protein product. Loss-of-function variants in USH2A are known to be pathogenic (PMID: 10729113, 10909849, 20507924, 25649381). This variant is not present in population databases (gnomAD no frequency). This premature translational stop signal has been observed in individual(s) with retinitis pigmentosa (PMID: 26496393). ClinVar contains an entry for this variant (Variation ID: 1455965). For these reasons, this variant has been classified as Pathogenic.

Natera, Inc.
Classification: Pathogenic for Usher syndrome type 2A. Last evaluated: 2024-05-18. Review status: criteria provided, single submitter. Criteria: Natera Variant Classification Schema (03/2026). Collection method: clinical testing. Allele origin: germline.
Comment: The c.7569G>A variant in USH2A is a nonsense variant predicted to introduce a stop codon at amino acid 2523. This variant is expected to result in nonsense mediated decay, truncation, or a dysfunctional protein product. This variant is rare in the general population with a frequency below the threshold expected for the associated phenotype(s). This variant has been observed in one or more individuals affected with the associated recessive disease, as either homozygous or compound heterozygous with a second variant (PMID: 32675063, 33124170). Given the available evidence, this variant is classified as Pathogenic.

Fulgent Genetics
Classification: Pathogenic for Usher syndrome type 2A; Retinitis pigmentosa 39. Last evaluated: 2024-02-27. Review status: criteria provided, single submitter. Criteria: ACMG Guidelines, 2015. Collection method: clinical testing. Allele origin: germline.

Literature cited by the submitters: PubMed 26496393 (cited by Division of Genetic & Genomic Pathology, Hong Kong Children's Hospital and Labcorp Genetics (formerly Invitae), Labcorp); PubMed 3267506 (cited by Division of Genetic & Genomic Pathology, Hong Kong Children's Hospital); PubMed 10729113 (cited by Labcorp Genetics (formerly Invitae), Labcorp); PubMed 10909849 (cited by Labcorp Genetics (formerly Invitae), Labcorp); PubMed 20507924 (cited by Labcorp Genetics (formerly Invitae), Labcorp); PubMed 25649381 (cited by Labcorp Genetics (formerly Invitae), Labcorp); PubMed 32675063 (cited by Natera, Inc.); PubMed 33124170 (cited by Natera, Inc.).

NM_206933.4(USH2A):c.7569G>A (p.Trp2523Ter)

Gene: USH2A (usherin; minus strand). Cytogenetic location: 1q41.
Variant type: single nucleotide variant.
Coding change: c.7569G>A on transcript NM_206933.4 (MANE Select); coding-DNA position 7569, G replaced by A.
Protein change: p.Trp2523Ter; replaces tryptophan 2523 with a stop codon.
Molecular consequence: nonsense.
Genome position (GRCh38, 1-based): chr1:215,900,100, C>T on the plus strand (G>A on the coding strand, the complement: USH2A is on the minus strand). VCF-style: chr1-215900100-C-T. GRCh37 (hg19) VCF-style: chr1-216073442-C-T.
Other names: c.7569G>A (NM_206933.2); short protein forms W2523*.
Identifiers: ClinVar variation 1455965 (VCV001455965.9), dbSNP rs2102469493, ClinGen allele CA344847047.